The following is an entry in ClinVar:

NM_006070.6(TFG):c.160G>A (p.Val54Ile)

Gene: TFG (trafficking from ER to golgi regulator; plus strand). Cytogenetic location: 3q12.2.
Variant type: single nucleotide variant.
Coding change: c.160G>A on transcript NM_006070.6 (MANE Select); coding-DNA position 160, G replaced by A.
Protein change: p.Val54Ile; replaces valine 54 with isoleucine.
Molecular consequence: missense variant.
Genome position (GRCh38, 1-based): chr3:100,713,845, G>A. VCF-style: chr3-100713845-G-A. GRCh37 (hg19) VCF-style: chr3-100432689-G-A.
Other names: c.160G>A, p.Val54Ile (NM_001007565.2, NM_001195478.2, NM_001195479.2); c.160G>A (NM_006070.5); short protein forms V54I.
Identifiers: ClinVar variation 2923250 (VCV002923250.4), dbSNP rs767892218, ClinGen allele CA2516964.

ClinVar aggregate classification (germline): Uncertain significance. Review status: criteria provided, multiple submitters, no conflicts (2 of 4 stars). 2 submissions from 2 submitters: Uncertain significance (2). Last evaluated 2025-11-25.

Conditions:
Hereditary motor and sensory neuropathy, Okinawa type (HMSNO). Also called: HEREDITARY MOTOR AND SENSORY NEUROPATHY, PROXIMAL TYPE. Identifiers: Orphanet 90117, MedGen C1858338, MONDO:0011468, OMIM 604484.
Hereditary spastic paraplegia 57. Also called: Spastic paraplegia 57, autosomal recessive. Identifiers: Orphanet 431329, MedGen C3714897, MONDO:0014295, OMIM 615658.
Inborn genetic diseases. Identifiers: MedGen C0950123, MeSH D030342.

Allele frequency attached by ClinVar (database versions not stated): ExAC 0.00001; gnomAD 0.00003; gnomAD exomes 0.00001.

Submissions (2):

Labcorp Genetics (formerly Invitae), Labcorp
Classification: Uncertain significance for Hereditary motor and sensory neuropathy, Okinawa type; Hereditary spastic paraplegia 57. Last evaluated: 2025-11-25. Review status: criteria provided, single submitter. Criteria: Invitae Variant Classification Sherloc (09022015). Collection method: clinical testing. Allele origin: germline.
Comment: This sequence change replaces valine, which is neutral and non-polar, with isoleucine, which is neutral and non-polar, at codon 54 of the TFG protein (p.Val54Ile). This variant is present in population databases (rs767892218, gnomAD 0.007%). This variant has not been reported in the literature in individuals affected with TFG-related conditions. ClinVar contains an entry for this variant (Variation ID: 2923250). Invitae Evidence Modeling of protein sequence and biophysical properties (such as structural, functional, and spatial information, amino acid conservation, physicochemical variation, residue mobility, and thermodynamic stability) indicates that this missense variant is not expected to disrupt TFG protein function with a negative predictive value of 80%. In summary, the available evidence is currently insufficient to determine the role of this variant in disease. Therefore, it has been classified as a Variant of Uncertain Significance.

Ambry Genetics
Classification: Uncertain significance for Inborn genetic diseases. Last evaluated: 2025-01-09. Review status: criteria provided, single submitter. Criteria: Ambry Variant Classification Scheme 2023. Collection method: clinical testing. Allele origin: germline.